The following is an entry in ClinVar:

NM_004369.4(COL6A3):c.5501C>A (p.Ala1834Asp)

Gene: COL6A3 (collagen type VI alpha 3 chain; minus strand). Cytogenetic location: 2q37.3.
Variant type: single nucleotide variant.
Coding change: c.5501C>A on transcript NM_004369.4 (MANE Select); coding-DNA position 5501, C replaced by A.
Protein change: p.Ala1834Asp; replaces alanine 1834 with aspartic acid.
Molecular consequence: missense variant.
Genome position (GRCh38, 1-based): chr2:237,366,035, G>T on the plus strand (C>A on the coding strand, the complement: COL6A3 is on the minus strand). VCF-style: chr2-237366035-G-T. GRCh37 (hg19) VCF-style: chr2-238274678-G-T.
Other names: c.3680C>A, p.Ala1227Asp (NM_057166.5); c.4883C>A, p.Ala1628Asp (NM_057167.4); short protein forms A1227D, A1628D, A1834D.
Identifiers: ClinVar variation 2133576 (VCV002133576.4), dbSNP rs775288584, ClinGen allele CA2188641.
Genomic context (GRCh38, chr2:237,366,035, plus strand): 5'-GCCACAAAAACATTCTGGTCTCTAGAACCATCAAACCCCAGAATCACATCCAGATTACAA[G>T]CTGGAAAGGAGAAATGCAGGTGATGAGTTCTCAGCTGGGGCTGAGGAGACGAACTCTACT-3'
Protein context (NP_004360.2, residues 1824-1844): LCPGVTDAAK[Ala1834Asp]CNLDVILGFD

ClinVar aggregate classification (germline): Uncertain significance (1 of 4 stars; one submission).

Conditions:
Bethlem myopathy 1A. Also called: Bethlem Muscular Dystrophy; Bethlem myopathy 1; MYOPATHY, BENIGN CONGENITAL, WITH CONTRACTURES. Identifiers: Orphanet 610, MedGen CN029274, MONDO:0024530, OMIM 158810.

Allele frequency attached by ClinVar (database versions not stated): ExAC 0.00001.
gnomAD v4.1: 8 of 1,612,786 alleles (0.0005%); highest among the groups gnomAD compares: Non-Finnish European, 0.00068%; no homozygotes.

Submission:

Labcorp Genetics (formerly Invitae), Labcorp
Classification: Uncertain significance for Bethlem myopathy 1A. Last evaluated: 2022-11-08. Review status: criteria provided, single submitter. Criteria: Invitae Variant Classification Sherloc (09022015). Collection method: clinical testing. Allele origin: germline.
Comment: In summary, the available evidence is currently insufficient to determine the role of this variant in disease. Therefore, it has been classified as a Variant of Uncertain Significance. Algorithms developed to predict the effect of missense changes on protein structure and function (SIFT, PolyPhen-2, Align-GVGD) all suggest that this variant is likely to be tolerated. This variant has not been reported in the literature in individuals affected with COL6A3-related conditions. This variant is present in population databases (rs775288584, gnomAD 0.0009%). This sequence change replaces alanine, which is neutral and non-polar, with aspartic acid, which is acidic and polar, at codon 1834 of the COL6A3 protein (p.Ala1834Asp).